The following is an entry in ClinVar:

ClinVar aggregate classification (germline): Uncertain significance (1 of 4 stars; one submission).

Conditions:
Immunodeficiency 35 (IMD35). Also called: Susceptibility to infection due to TYK2 deficiency; TYK2 DEFICIENCY; HIES WITH ATYPICAL MYCOBACTERIOSIS, AUTOSOMAL RECESSIVE; HYPER-IgE SYNDROME WITH ATYPICAL MYCOBACTERIOSIS, AUTOSOMAL RECESSIVE. Identifiers: Orphanet 331226, MedGen C1969086, MONDO:0012682, OMIM 611521.

Submission:

Labcorp Genetics (formerly Invitae), Labcorp
Classification: Uncertain significance for Immunodeficiency 35. Last evaluated: 2022-06-22. Review status: criteria provided, single submitter. Criteria: Invitae Variant Classification Sherloc (09022015). Collection method: clinical testing. Allele origin: germline.
Comment: In summary, the available evidence is currently insufficient to determine the role of this variant in disease. Therefore, it has been classified as a Variant of Uncertain Significance. Algorithms developed to predict the effect of sequence changes on RNA splicing suggest that this variant may create or strengthen a splice site. This variant has not been reported in the literature in individuals affected with TYK2-related conditions. This variant is not present in population databases (gnomAD no frequency). This sequence change falls in intron 13 of the TYK2 gene. It does not directly change the encoded amino acid sequence of the TYK2 protein.

NM_003331.5(TYK2):c.1960-12C>A

Gene: TYK2 (tyrosine kinase 2; minus strand). Cytogenetic location: 19p13.2.
Variant type: single nucleotide variant.
Coding change: c.1960-12C>A on transcript NM_003331.5 (MANE Select); 12 bases into the intron before coding-DNA position 1960, C replaced by A.
Molecular consequence: intron variant.
Genome position (GRCh38, 1-based): chr19:10,361,610, G>T on the plus strand (C>A on the coding strand, the complement: TYK2 is on the minus strand). VCF-style: chr19-10361610-G-T. GRCh37 (hg19) VCF-style: chr19-10472286-G-T.
Other names: c.1960-12C>A (NM_001385204.1, NM_001385200.1, NM_001385198.1 and 2 more transcripts); c.1834-12C>A (NM_001385206.1); c.1942-12C>A (NM_001385207.1); c.1876-12C>A (NM_001385202.1); c.1774-12C>A (NM_001385199.1); c.1870-12C>A (NM_001385205.1); c.1762-12C>A (NM_001385201.1).
Identifiers: ClinVar variation 2009381 (VCV002009381.4), dbSNP rs764858425, ClinGen allele CA2580096257.
Genomic context (GRCh38, chr19:10,361,610, plus strand): 5'-GGTGCGTGTGGGAGACCTGGCTCATGAGGCTGGCTGTCTCGTAGAAGGCCTGTGGGGACC[G>T]GGCAGGTCAGGTGGCTGCAAAGCCGACCCCTCCCATCCCACCTCCTCCACGGACACACCC-3'